The following is an entry in ClinVar:

NM_002979.5(SCP2):c.739dup (p.Leu247fs)

Gene: SCP2 (sterol carrier protein 2; plus strand). Cytogenetic location: 1p32.3.
Variant type: Duplication.
Coding change: c.739dup on transcript NM_002979.5 (MANE Select); coding-DNA position 739, one base duplicated (C; older notation c.739dupC).
Protein change: p.Leu247fs; shifts the reading frame from leucine 247.
Molecular consequence: frameshift variant.
Genome position (GRCh38, 1-based): chr1:52,978,281, C duplicated; the last of 2 consecutive C bases (chr1:52,978,280-52,978,281); duplicating either gives the same sequence. VCF-style (leftmost placement, unchanged base first): chr1-52978279-G-GC. GRCh37 (hg19) VCF-style: chr1-53443951-G-GC.
Other names: c.607dup, p.Leu203fs (NM_001007098.3, NM_001193600.2); c.667dup, p.Leu223fs (NM_001193599.2); c.496dup, p.Leu166fs (NM_001193617.2); c.739dup, p.Leu247fs (NM_001330587.2); short protein forms L166fs, L223fs, L247fs, L203fs.
Identifiers: ClinVar variation 3666471 (VCV003666471.2).
Genomic context (GRCh38, chr1:52,978,279, plus strand): 5'-CCACTTCAGATGGTGCTGCAGCAGCAATTTTGGCCAGTGAAGCATTTGTACAGAAGTATG[G>GC]CCTGCAATCCAAAGCTGTGGAAATTTTGGCACAAGAAATGATGACTGATTTGCCAAGCTC-3'

ClinVar aggregate classification (germline): Pathogenic (1 of 4 stars; one submission).

Submission:

Labcorp Genetics (formerly Invitae), Labcorp
Classification: Pathogenic. Last evaluated: 2024-09-08. Review status: criteria provided, single submitter. Criteria: Invitae Variant Classification Sherloc (09022015). Collection method: clinical testing. Allele origin: germline.
Comment: This sequence change creates a premature translational stop signal (p.Leu247Profs*16) in the SCP2 gene. It is expected to result in an absent or disrupted protein product. Loss-of-function variants in SCP2 are known to be pathogenic (PMID: 16685654, 26497993). This variant is not present in population databases (gnomAD no frequency). This variant has not been reported in the literature in individuals affected with SCP2-related conditions. For these reasons, this variant has been classified as Pathogenic.

Literature cited by the submitters: PubMed 16685654; PubMed 26497993.